The following is an entry in ClinVar:

ClinVar aggregate classification (germline): Uncertain significance (1 of 4 stars; one submission).

Submission:

Labcorp Genetics (formerly Invitae), Labcorp
Classification: Uncertain significance. Last evaluated: 2022-06-20. Review status: criteria provided, single submitter. Criteria: Invitae Variant Classification Sherloc (09022015). Collection method: clinical testing. Allele origin: germline.
Comment: Algorithms developed to predict the effect of missense changes on protein structure and function are either unavailable or do not agree on the potential impact of this missense change (SIFT: "Deleterious"; PolyPhen-2: "Benign"; Align-GVGD: "Class C25"). ClinVar contains an entry for this variant (Variation ID: 858234). This variant has not been reported in the literature in individuals affected with SZT2-related conditions. This variant is not present in population databases (gnomAD no frequency). This sequence change replaces alanine, which is neutral and non-polar, with proline, which is neutral and non-polar, at codon 2363 of the SZT2 protein (p.Ala2363Pro). In summary, the available evidence is currently insufficient to determine the role of this variant in disease. Therefore, it has been classified as a Variant of Uncertain Significance.

NM_001365999.1(SZT2):c.7258G>C (p.Ala2420Pro)

Gene: SZT2 (SZT2 subunit of KICSTOR complex; plus strand). Cytogenetic location: 1p34.2.
Variant type: single nucleotide variant.
Coding change: c.7258G>C on transcript NM_001365999.1 (MANE Select); coding-DNA position 7258, G replaced by C.
Protein change: p.Ala2420Pro; replaces alanine 2420 with proline.
Molecular consequence: missense variant.
Genome position (GRCh38, 1-based): chr1:43,440,500, G>C. VCF-style: chr1-43440500-G-C. GRCh37 (hg19) VCF-style: chr1-43906171-G-C.
Other names: c.7087G>C, p.Ala2363Pro (NM_015284.4); short protein forms A2420P, A2363P.
Identifiers: ClinVar variation 858234 (VCV000858234.11), dbSNP rs781077840, ClinGen allele CA340034313.